The following is an entry in ClinVar:

NM_000431.4(MVK):c.1019G>C (p.Gly340Ala)

Gene: MVK (mevalonate kinase; plus strand). Cytogenetic location: 12q24.11.
Variant type: single nucleotide variant.
Coding change: c.1019G>C on transcript NM_000431.4 (MANE Select); coding-DNA position 1019, G replaced by C.
Protein change: p.Gly340Ala; replaces glycine 340 with alanine.
Molecular consequence: missense variant.
Genome position (GRCh38, 1-based): chr12:109,595,161, G>C. VCF-style: chr12-109595161-G-C. GRCh37 (hg19) VCF-style: chr12-110032966-G-C.
Other names: p.Gly340Ala; c.1019G>C, p.Gly340Ala (NM_001114185.3, NM_001414511.1, NM_001414513.1); c.863G>C, p.Gly288Ala (NM_001301182.2, NM_001414514.1); c.1094G>C, p.Gly365Ala (NM_001414512.1); c.437G>C, p.Gly146Ala (NM_001414515.1); short protein forms G146A, G340A, G288A, G365A.
Identifiers: ClinVar variation 1959904 (VCV001959904.6), dbSNP rs1256501368, ClinGen allele CA386650997.

ClinVar aggregate classification (germline): Uncertain significance. Review status: criteria provided, multiple submitters, no conflicts (2 of 4 stars). 2 submissions from 2 submitters: Uncertain significance (2). Last evaluated 2025-05-11.

Conditions:
Porokeratosis 3, disseminated superficial actinic type (POROK3). Also called: POROKERATOSIS, DISSEMINATED SUPERFICIAL ACTINIC, 1; POROKERATOSIS 3, MULTIPLE TYPES; POROKERATOSIS 3, MIBELLI TYPE. Identifiers: MedGen C1867981, MONDO:0008293, OMIM 175900.
Mevalonic aciduria (MEVA). Identifiers: Orphanet 29, MedGen C1959626, MONDO:0012481, OMIM 610377.
Hyperimmunoglobulin D with periodic fever (HIDS). Also called: Hyperimmunoglobulinemia D with periodic fever; HYPERIMMUNOGLOBULINEMIA D AND PERIODIC FEVER SYNDROME; Hyperimmunoglobulinemia D. Identifiers: Orphanet 343, MedGen C0398691, MONDO:0009849, OMIM 260920.

Allele frequency attached by ClinVar (database versions not stated): gnomAD exomes below 0.00001.
gnomAD v4.1: 1 of 1,614,064 alleles (0.000062%); highest among the groups gnomAD compares: Non-Finnish European, 0.000085%; no homozygotes.

Submissions (2):

Mayo Clinic Laboratories, Mayo Clinic
Classification: Uncertain significance. Last evaluated: 2025-05-11. Review status: criteria provided, single submitter. Criteria: ACMG Guidelines, 2015. Collection method: clinical testing. Allele origin: germline. Observed: 1 variant allele.
Comment: PM2_supporting

Labcorp Genetics (formerly Invitae), Labcorp
Classification: Uncertain significance for Mevalonic aciduria; Hyperimmunoglobulin D with periodic fever; Porokeratosis 3, disseminated superficial actinic type. Last evaluated: 2022-10-21. Review status: criteria provided, single submitter. Criteria: Invitae Variant Classification Sherloc (09022015). Collection method: clinical testing. Allele origin: germline.
Comment: In summary, the available evidence is currently insufficient to determine the role of this variant in disease. Therefore, it has been classified as a Variant of Uncertain Significance. Advanced modeling of protein sequence and biophysical properties (such as structural, functional, and spatial information, amino acid conservation, physicochemical variation, residue mobility, and thermodynamic stability) performed at Invitae indicates that this missense variant is not expected to disrupt MVK protein function. This variant has not been reported in the literature in individuals affected with MVK-related conditions. This variant is present in population databases (no rsID available, gnomAD 0.0009%). This sequence change replaces glycine, which is neutral and non-polar, with alanine, which is neutral and non-polar, at codon 340 of the MVK protein (p.Gly340Ala).